The following is an entry in ClinVar:

ClinVar aggregate classification (germline): Conflicting classifications of pathogenicity. Review status: criteria provided, conflicting classifications (1 of 4 stars). 7 submissions from 7 submitters: Uncertain significance (2); Benign (2); Likely benign (2). 1 of the submissions does not count toward it. Last evaluated 2025-09-23.

Conditions:
Inborn genetic diseases. Identifiers: MedGen C0950123, MeSH D030342.

Submissions (7):

Ambry Genetics
Classification: Likely benign for Inborn genetic diseases. Last evaluated: 2025-09-23. Review status: criteria provided, single submitter. Criteria: Ambry Variant Classification Scheme 2023. Collection method: clinical testing. Allele origin: germline.

Laboratory of Genetics, Children's Clinical University Hospital Latvia
Classification: Benign. Last evaluated: 2025-02-16. Review status: criteria provided, single submitter. Criteria: ACMG Guidelines, 2015. Collection method: clinical testing. Allele origin: germline. Affected: yes.

Blueprint Genetics
Classification: Likely benign. Last evaluated: 2024-11-27. Review status: criteria provided, single submitter. Criteria: ACMG Guidelines, 2015. Collection method: clinical testing. Allele origin: germline.

Mayo Clinic Laboratories, Mayo Clinic
Classification: Benign. Last evaluated: 2022-08-10. Review status: criteria provided, single submitter. Criteria: ACMG Guidelines, 2015. Collection method: clinical testing. Allele origin: germline. Observed: 51 variant alleles.

Women's Health and Genetics/Laboratory Corporation of America, LabCorp
Classification: Uncertain significance. Last evaluated: 2020-01-20. Review status: criteria provided, single submitter. Criteria: LabCorp Variant Classification Summary - May 2015. Collection method: clinical testing. Allele origin: germline.
Comment: Variant summary: ATN1 c.1488_1508del21 (p.Gln496_Gln502del) results in an in-frame deletion that is predicted to remove seven amino acids from the encoded protein. The variant was absent in 247226 control chromosomes, however the variant is located in a highly variable region, with many del/dups present in gnomad. Dentatorubral-pallidoluysian atrophy (DRPLA) results from an increased number of copies (expansion) of the CAG trinucleotide repeat in the ATN1 gene (Genetics Home Reference Page), whereas other types of mutations may be related to other ATN1-related disorders. c.1488_1508del21 has been reported in the literature in at least one individual for which whole exome sequencing detected causitive mutations other than the variant of interest (Chia_2018). This report does not provide unequivocal conclusions about association of the variant with DRPLA or other ATN1-Related Disorders. To our knowledge, no experimental evidence demonstrating an impact on protein function has been reported. No clinical diagnostic laboratories have submitted clinical-significance assessments for this variant to ClinVar after 2014. Based on the evidence outlined above, the variant was classified as a VUS.

Breakthrough Genomics
Classification: Uncertain significance. Review status: criteria provided, single submitter. Criteria: ACMG Guidelines, 2015. Collection method: not provided. Allele origin: germline. Inheritance: Autosomal dominant inheritance. Affected: yes.

Department of Pathology and Laboratory Medicine, Sinai Health System
Classification: Likely benign. Review status: no assertion criteria provided. Collection method: clinical testing. Allele origin: unknown. Affected: yes. Study: The Canadian Open Genetics Repository (COGR). Not counted in ClinVar's aggregate classification.
Comment: The ATN1 p.Gln496_Gln502del variant was not identified in the dbSNP or LOVD 3.0 databases, however it was identified in the Clinvar and Cosmic databases. The variant was not identified in the following control databases: the 1000 Genomes Project, the NHLBI GO Exome Sequencing Project, the Exome Aggregation Consortium (August 8th 2016), or the Genome Aggregation Database (Feb 27, 2017). This variant was identified in the homozygous form in two children from a consanguineous family presenting with severe, global developmental delay, however the cause of their developmental delay was attributed to biallelic variants in CAMK2A (Chia_2018_PMID: 29784083). This variant is an in-frame deletion resulting in the removal of 7 glutamine (gln) residues at codon 496, within a glutamine repeat region. The insertion of (CAG)n or glutamine repeats has been found to cause dentatorubro-pallidoluysian atrophy, however this variant is a (CAG)n repeat deletion within the normal range considered of 6-35 repeats (Koide_1994_PMID: 8136840; MIM: 607462). The impact of this alteration on ATN1 protein function is not known, however MutationTaster predicts this variant to be a polymorphism. In summary, based on the above information the clinical significance of this variant cannot be determined with certainty at this time although we would lean towards a more benign role for this variant. This variant is classified as likely benign.

Literature cited by the submitters: PubMed 29784083 (cited by Women's Health and Genetics/Laboratory Corporation of America, LabCorp); PubMed 29024829 (cited by Women's Health and Genetics/Laboratory Corporation of America, LabCorp).

NM_001940.4(ATN1):c.1464GCA[8] (p.Gln496_Gln502del)

Genes: ATN1 (atrophin 1; plus strand), LOC109461484 (atrophin 1 repeat instability region; plus strand). Cytogenetic location: 12p13.31.
Variant type: Microsatellite.
Coding change: c.1464GCA[8] on transcript NM_001940.4 (MANE Select); eight copies in a row of the 3-base unit GCA starting at c.1464; the reference has 15 copies in a row; seven copies, 21 bases deleted.
Protein change: p.Gln496_Gln502del.
Molecular consequence: inframe deletion.
Genome position (GRCh38, 1-based): chr12:6,936,755-6,936,775, GCAGCAGCAGCAGCAGCAGCA deleted; deleting any 21 consecutive bases within chr12:6,936,729-6,936,775 gives the same sequence; the position shown is the placement nearest the transcript's 3' end. VCF-style (leftmost placement, unchanged base first): chr12-6936728-ACAGCAGCAGCAGCAGCAGCAG-A. GRCh37 (hg19) VCF-style: chr12-7045891-ACAGCAGCAGCAGCAGCAGCAG-A.
Other names: p.Gln496_Gln502del; c.1488_1508del (NM_001007026.2); c.1464GCA[8], p.Gln496_Gln502del (NM_001007026.2).
Identifiers: ClinVar variation 917563 (VCV000917563.7), dbSNP rs60216939, ClinGen allele CA478518883.